The following is an entry in ClinVar:

NM_203447.4(DOCK8):c.3757G>A (p.Gly1253Ser)

Gene: DOCK8 (dedicator of cytokinesis 8; plus strand). Cytogenetic location: 9p24.3.
Variant type: single nucleotide variant.
Coding change: c.3757G>A on transcript NM_203447.4 (MANE Select); coding-DNA position 3757, G replaced by A.
Protein change: p.Gly1253Ser; replaces glycine 1253 with serine.
Molecular consequence: missense variant.
Genome position (GRCh38, 1-based): chr9:418,124, G>A. VCF-style: chr9-418124-G-A. GRCh37 (hg19) VCF-style: chr9-418124-G-A.
Other names: c.3457G>A, p.Gly1153Ser (NM_001190458.2); c.3553G>A, p.Gly1185Ser (NM_001193536.2); short protein forms G1253S, G1153S, G1185S.
Identifiers: ClinVar variation 582150 (VCV000582150.31), dbSNP rs1395205685, ClinGen allele CA372762193.

ClinVar aggregate classification (germline): Conflicting classifications of pathogenicity. Review status: criteria provided, conflicting classifications (1 of 4 stars). 3 submissions from 3 submitters: Uncertain significance (2); Likely benign (1). Last evaluated 2022-04-01.

Conditions:
Combined immunodeficiency due to DOCK8 deficiency (HIES2). Also called: HIES autosomal recessive; Hyper-IgE recurrent infection syndrome, autosomal recessive; HYPER-IgE RECURRENT INFECTION SYNDROME 2, AUTOSOMAL RECESSIVE; DOCK8 Deficiency; HYPER-IgE SYNDROME 2, AUTOSOMAL RECESSIVE, WITH RECURRENT INFECTIONS. Identifiers: Orphanet 217390, MedGen C4722305, MONDO:0009478, OMIM 243700.

Allele frequency attached by ClinVar (database versions not stated): gnomAD 0.00001 and 0.00002; TOPMed 0.00002; gnomAD exomes below 0.00001.
gnomAD v4.1: 27 of 1,614,058 alleles (0.0017%); highest among the groups gnomAD compares: Middle Eastern, 0.033%; no homozygotes.

Submissions (3):

CeGaT Center for Human Genetics Tuebingen
Classification: Likely benign. Last evaluated: 2022-04-01. Review status: criteria provided, single submitter. Criteria: CeGaT Center For Human Genetics Tuebingen Variant Classification Criteria Version 2. Collection method: clinical testing. Allele origin: germline. Affected: yes. Observed: 1 variant allele.
Comment: DOCK8: BP4

Labcorp Genetics (formerly Invitae), Labcorp
Classification: Uncertain significance for Combined immunodeficiency due to DOCK8 deficiency. Last evaluated: 2022-02-10. Review status: criteria provided, single submitter. Criteria: Invitae Variant Classification Sherloc (09022015). Collection method: clinical testing. Allele origin: germline.
Comment: This sequence change replaces glycine, which is neutral and non-polar, with serine, which is neutral and polar, at codon 1253 of the DOCK8 protein (p.Gly1253Ser). This variant is present in population databases (no rsID available, gnomAD 0.0009%). This variant has not been reported in the literature in individuals affected with DOCK8-related conditions. ClinVar contains an entry for this variant (Variation ID: 582150). Algorithms developed to predict the effect of missense changes on protein structure and function output the following: SIFT: "Tolerated"; PolyPhen-2: "Benign"; Align-GVGD: "Class C0". The serine amino acid residue is found in multiple mammalian species, which suggests that this missense change does not adversely affect protein function. In summary, the available evidence is currently insufficient to determine the role of this variant in disease. Therefore, it has been classified as a Variant of Uncertain Significance.

Baylor Genetics
Classification: Uncertain significance for Combined immunodeficiency due to DOCK8 deficiency. Last evaluated: 2019-08-17. Review status: criteria provided, single submitter. Criteria: ACMG Guidelines, 2015. Collection method: clinical testing. Allele origin: unknown. Affected: yes.
Comment: This variant was determined to be of uncertain significance according to ACMG Guidelines, 2015 [PMID:25741868].